The following is an entry in ClinVar:

NM_001395159.1(UNC79):c.3607C>G (p.Leu1203Val)

Gene: UNC79 (unc-79 homolog, NALCN channel complex subunit; plus strand). Cytogenetic location: 14q32.12.
Variant type: single nucleotide variant.
Coding change: c.3607C>G on transcript NM_001395159.1 (MANE Select); coding-DNA position 3607, C replaced by G.
Protein change: p.Leu1203Val; replaces leucine 1203 with valine.
Molecular consequence: missense variant.
Genome position (GRCh38, 1-based): chr14:93,603,271, C>G. VCF-style: chr14-93603271-C-G. GRCh37 (hg19) VCF-style: chr14-94069617-C-G.
Other names: c.3607C>G, p.Leu1203Val (NM_001346218.2); c.3076C>G, p.Leu1026Val (NM_020818.5); short protein forms L1026V, L1203V.
Identifiers: ClinVar variation 3371312 (VCV003371312.1).

ClinVar aggregate classification (germline): Uncertain significance (1 of 4 stars; one submission).

Submission:

GeneDx
Classification: Uncertain significance. Last evaluated: 2024-03-25. Review status: criteria provided, single submitter. Criteria: GeneDx Variant Classification Process June 2021. Collection method: clinical testing. Allele origin: germline. Affected: yes.
Comment: Not observed at significant frequency in large population cohorts (gnomAD); In silico analysis supports that this missense variant does not alter protein structure/function; Has not been previously published as pathogenic or benign to our knowledge